The following is an entry in ClinVar:

ClinVar aggregate classification (germline): Likely pathogenic (0 of 4 stars; one submission).

Conditions:
Hearing loss, X-linked 6. Also called: Deafness, X-linked 6. Identifiers: Orphanet 90625, MedGen C3806737, MONDO:0010484, OMIM 300914.

Submission:

Shanghai Diabetes Institute, Shanghai Sixth People's Hospital Affiliated to Shanghai Jiao Tong University School of Medicine
Classification: Likely pathogenic for Hearing loss, X-linked 6. Last evaluated: 2024-08-31. Review status: no assertion criteria provided. Collection method: case-control. Allele origin: germline. Affected: yes. Observed: 2 variant alleles.

NM_033641.4(COL4A6):c.2998C>T (p.Pro1000Ser)

Gene: COL4A6 (collagen type IV alpha 6 chain; minus strand). Cytogenetic location: Xq22.3.
Variant type: single nucleotide variant.
Coding change: c.2998C>T on transcript NM_033641.4 (MANE Select); coding-DNA position 2998, C replaced by T.
Protein change: p.Pro1000Ser; replaces proline 1000 with serine.
Molecular consequence: missense variant.
Genome position (GRCh38, 1-based): chrX:108,174,580, G>A on the plus strand (C>T on the coding strand, the complement: COL4A6 is on the minus strand). VCF-style: chrX-108174580-G-A. GRCh37 (hg19) VCF-style: chrX-107417810-G-A.
Other names: c.3049C>T, p.Pro1017Ser (NM_001287758.2); c.2998C>T, p.Pro1000Ser (NM_001287759.2, NM_001287760.2); c.3001C>T, p.Pro1001Ser (NM_001847.4); short protein forms P1000S, P1001S, P1017S.
Identifiers: ClinVar variation 3340154 (VCV003340154.1).